The following is an entry in ClinVar:

ClinVar aggregate classification (germline): Likely pathogenic (1 of 4 stars; one submission).

gnomAD v4.1: 1 of 1,614,116 alleles (0.000062%); highest among the groups gnomAD compares: Non-Finnish European, 0.000085%; no homozygotes.

Submission:

Labcorp Genetics (formerly Invitae), Labcorp
Classification: Likely pathogenic. Last evaluated: 2024-03-27. Review status: criteria provided, single submitter. Criteria: Invitae Variant Classification Sherloc (09022015). Collection method: clinical testing. Allele origin: germline.
Comment: This sequence change affects an acceptor splice site in intron 24 of the DNAH9 gene. It is expected to disrupt RNA splicing. Variants that disrupt the donor or acceptor splice site typically lead to a loss of protein function (PMID: 16199547), and loss-of-function variants in DNAH9 are known to be pathogenic (PMID: 30471718). This variant is not present in population databases (gnomAD no frequency). This variant has not been reported in the literature in individuals affected with DNAH9-related conditions. Algorithms developed to predict the effect of sequence changes on RNA splicing suggest that this variant may disrupt the consensus splice site. In summary, the currently available evidence indicates that the variant is pathogenic, but additional data are needed to prove that conclusively. Therefore, this variant has been classified as Likely Pathogenic.

Literature cited by the submitters: PubMed 16199547; PubMed 30471718.

NM_001372.4(DNAH9):c.5152-1G>A

Gene: DNAH9 (dynein axonemal heavy chain 9; plus strand). Cytogenetic location: 17p12.
Variant type: single nucleotide variant.
Coding change: c.5152-1G>A on transcript NM_001372.4 (MANE Select); the canonical splice acceptor site of the intron before coding-DNA position 5152, G replaced by A.
Molecular consequence: splice acceptor variant.
Genome position (GRCh38, 1-based): chr17:11,704,202, G>A. VCF-style: chr17-11704202-G-A. GRCh37 (hg19) VCF-style: chr17-11607519-G-A.
Identifiers: ClinVar variation 3647373 (VCV003647373.2).